The following is an entry in ClinVar:

NM_006302.3(MOGS):c.758C>T (p.Thr253Ile)

Gene: MOGS (mannosyl-oligosaccharide glucosidase; minus strand). Cytogenetic location: 2p13.1.
Variant type: single nucleotide variant.
Coding change: c.758C>T on transcript NM_006302.3 (MANE Select); coding-DNA position 758, C replaced by T.
Protein change: p.Thr253Ile; replaces threonine 253 with isoleucine.
Molecular consequence: missense variant.
Genome position (GRCh38, 1-based): chr2:74,463,208, G>A on the plus strand (C>T on the coding strand, the complement: MOGS is on the minus strand). VCF-style: chr2-74463208-G-A. GRCh37 (hg19) VCF-style: chr2-74690335-G-A.
Other names: c.440C>T, p.Thr147Ile (NM_001146158.2); short protein forms T147I, T253I.
Identifiers: ClinVar variation 1393749 (VCV001393749.6), dbSNP rs2103981399, ClinGen allele CA347379524.

ClinVar aggregate classification (germline): Uncertain significance (1 of 4 stars; one submission).

Conditions:
MOGS-congenital disorder of glycosylation. Also called: CDG 2B; GLUCOSIDASE I DEFICIENCY; CDG IIb; MOGS-CDG. Identifiers: Orphanet 79330, MedGen C1853736, MONDO:0011629, OMIM 606056.

Submission:

Labcorp Genetics (formerly Invitae), Labcorp
Classification: Uncertain significance for MOGS-congenital disorder of glycosylation. Last evaluated: 2025-01-06. Review status: criteria provided, single submitter. Criteria: Invitae Variant Classification Sherloc (09022015). Collection method: clinical testing. Allele origin: germline.
Comment: This sequence change replaces threonine, which is neutral and polar, with isoleucine, which is neutral and non-polar, at codon 253 of the MOGS protein (p.Thr253Ile). This variant is not present in population databases (gnomAD no frequency). This variant has not been reported in the literature in individuals affected with MOGS-related conditions. ClinVar contains an entry for this variant (Variation ID: 1393749). An algorithm developed to predict the effect of missense changes on protein structure and function (PolyPhen-2) suggests that this variant is likely to be tolerated. In summary, the available evidence is currently insufficient to determine the role of this variant in disease. Therefore, it has been classified as a Variant of Uncertain Significance.